The following is an entry in ClinVar:

NM_005591.4(MRE11):c.2022C>G (p.Ile674Met)

Gene: MRE11 (MRE11 double strand break repair nuclease; minus strand). Cytogenetic location: 11q21.
Variant type: single nucleotide variant.
Coding change: c.2022C>G on transcript NM_005591.4 (MANE Select); coding-DNA position 2022, C replaced by G.
Protein change: p.Ile674Met; replaces isoleucine 674 with methionine.
Molecular consequence: missense variant.
Genome position (GRCh38, 1-based): chr11:94,429,959, G>C on the plus strand (C>G on the coding strand, the complement: MRE11 is on the minus strand). VCF-style: chr11-94429959-G-C. GRCh37 (hg19) VCF-style: chr11-94163125-G-C.
Other names: c.2019C>G, p.Ile673Met (NM_001330347.2); c.1938C>G, p.Ile646Met (NM_005590.4); short protein forms I646M, I673M, I674M.
Identifiers: ClinVar variation 1799731 (VCV001799731.2), dbSNP rs1554999935, ClinGen allele CA382373529.
Genomic context (GRCh38, chr11:94,429,959, plus strand): 5'-TTACTTATTTACCTCACTTGATTCAAAATCAACCCCTTTCGATACTTGACTCTGGGACAT[G>C]ATTTTGCTGGATGATGTGCTGGACCACCTGAGGCAAAACAAAAACAAAAACAAACACAAT-3'
Protein context (NP_005582.1, residues 664-684): QRWSSTSSSK[Ile674Met]MSQSQVSKGV

ClinVar aggregate classification (germline): Uncertain significance (1 of 4 stars; one submission).

Conditions:
Hereditary cancer-predisposing syndrome. Also called: Neoplastic Syndromes, Hereditary; Tumor predisposition; Hereditary Cancer Syndrome; Hereditary neoplastic syndrome. Identifiers: Orphanet 140162, MedGen C0027672, MeSH D009386, MONDO:0015356.

Submission:

Ambry Genetics
Classification: Uncertain significance for Hereditary cancer-predisposing syndrome. Last evaluated: 2021-07-09. Review status: criteria provided, single submitter. Criteria: Ambry Variant Classification Scheme 2023. Collection method: clinical testing. Allele origin: germline.
Comment: The p.I674M variant (also known as c.2022C>G), located in coding exon 18 of the MRE11A gene, results from a C to G substitution at nucleotide position 2022. The isoleucine at codon 674 is replaced by methionine, an amino acid with highly similar properties. This amino acid position is poorly conserved in available vertebrate species. In addition, this alteration is predicted to be tolerated by in silico analysis. Since supporting evidence is limited at this time, the clinical significance of this alteration remains unclear.